The following is an entry in ClinVar:

NM_020975.6(RET):c.2098A>G (p.Met700Val)

Gene: RET (ret proto-oncogene; plus strand). Cytogenetic location: 10q11.21.
Variant type: single nucleotide variant.
Coding change: c.2098A>G on transcript NM_020975.6 (MANE Select); coding-DNA position 2098, A replaced by G.
Protein change: p.Met700Val; replaces methionine 700 with valine.
Molecular consequence: missense variant.
Genome position (GRCh38, 1-based): chr10:43,114,698, A>G. VCF-style: chr10-43114698-A-G. GRCh37 (hg19) VCF-style: chr10-43610146-A-G.
Other names: c.1072A>G, p.Met358Val (NM_001406783.1, NM_001406786.1); c.1336A>G, p.Met446Val (NM_001355216.2); c.2098A>G, p.Met700Val (NM_001406743.1, NM_001406744.1, NM_001406759.1 and 2 more transcripts); c.1969A>G, p.Met657Val (NM_001406761.1, NM_001406762.1, NM_001406764.1); c.1963A>G, p.Met655Val (NM_001406763.1, NM_001406765.1); c.1810A>G, p.Met604Val (NM_001406766.1, NM_001406767.1, NM_001406770.1); c.1834A>G, p.Met612Val (NM_001406768.1); c.1702A>G, p.Met568Val (NM_001406769.1, NM_001406772.1); and 10 more; short protein forms M370V, M265V, M305V, M401V, M554V, M700V, M217V, M361V.
Identifiers: ClinVar variation 4152794 (VCV004152794.1).

ClinVar aggregate classification (germline): Uncertain significance (1 of 4 stars; one submission).

Conditions:
Hereditary cancer-predisposing syndrome. Also called: Neoplastic Syndromes, Hereditary; Tumor predisposition; Hereditary Cancer Syndrome; Hereditary neoplastic syndrome. Identifiers: Orphanet 140162, MedGen C0027672, MeSH D009386, MONDO:0015356.

gnomAD v4.1: 1 of 1,611,886 alleles (0.000062%); highest among the groups gnomAD compares: African/African-American, 0.0013%; no homozygotes.

Submission:

Ambry Genetics
Classification: Uncertain significance for Hereditary cancer-predisposing syndrome. Last evaluated: 2025-07-18. Review status: criteria provided, single submitter. Criteria: Ambry Variant Classification Scheme 2023. Collection method: clinical testing. Allele origin: germline.
Comment: The p.M700V variant (also known as c.2098A>G), located in coding exon 11 of the RET gene, results from an A to G substitution at nucleotide position 2098. The methionine at codon 700 is replaced by valine, an amino acid with highly similar properties. This amino acid position is conserved. In addition, this alteration is predicted to be tolerated by in silico analysis. Based on the available evidence, the clinical significance of this variant remains unclear.